The following is an entry in ClinVar:

NM_003872.3(NRP2):c.376T>G (p.Ser126Ala)

Gene: NRP2 (neuropilin 2; plus strand). Cytogenetic location: 2q33.3.
Variant type: single nucleotide variant.
Coding change: c.376T>G on transcript NM_003872.3 (MANE Select); coding-DNA position 376, T replaced by G.
Protein change: p.Ser126Ala; replaces serine 126 with alanine.
Molecular consequence: missense variant.
Genome position (GRCh38, 1-based): chr2:205,716,317, T>G. VCF-style: chr2-205716317-T-G. GRCh37 (hg19) VCF-style: chr2-206581041-T-G.
Other names: c.376T>G, p.Ser126Ala (NM_018534.4, NM_201264.2, NM_201266.2 and 2 more transcripts); short protein forms S126A.
Identifiers: ClinVar variation 4122872 (VCV004122872.2).

ClinVar aggregate classification (germline): Uncertain significance. Review status: criteria provided, multiple submitters, no conflicts (2 of 4 stars). 2 submissions from 2 submitters: Uncertain significance (2). Last evaluated 2025-12-18.

Conditions:
NRP2-related disorder. Also called: NRP2-related condition.

gnomAD v4.1: 1 of 1,614,112 alleles (0.000062%); highest among the groups gnomAD compares: Admixed American, 0.0017%; no homozygotes.

Submissions (2):

PreventionGenetics, part of Exact Sciences
Classification: Uncertain significance for NRP2-related condition. Last evaluated: 2025-12-18. Review status: criteria provided, single submitter. Criteria: ACMG Guidelines, 2015. Collection method: clinical testing. Allele origin: germline.
Comment: The NRP2 c.376T>G variant is predicted to result in the amino acid substitution p.Ser126Ala. To our knowledge, this variant has not been reported in the literature. This variant is reported in 0.0029% of alleles in individuals of Latino descent in gnomAD. At this time, the clinical significance of this variant is uncertain due to the absence of conclusive functional and genetic evidence.

Ambry Genetics
Classification: Uncertain significance. Last evaluated: 2025-08-12. Review status: criteria provided, single submitter. Criteria: Ambry Variant Classification Scheme 2023. Collection method: clinical testing. Allele origin: germline.